The following is an entry in ClinVar:

ClinVar aggregate classification (germline): Uncertain significance (1 of 4 stars; one submission).

Conditions:
Cardiovascular phenotype. Identifiers: MedGen CN230736.

Submission:

Molecular Diagnostic Laboratory for Inherited Cardiovascular Disease, Montreal Heart Institute
Classification: Uncertain significance for Cardiovascular phenotype. Last evaluated: 2025-04-09. Review status: criteria provided, single submitter. Criteria: ACMG Guidelines, 2015. Collection method: clinical testing. Allele origin: germline. Affected: yes.
Comment: PM1, PM2, PP3

NM_000257.4(MYH7):c.1196T>A (p.Leu399Gln)

Gene: MYH7 (myosin heavy chain 7; minus strand). Cytogenetic location: 14q11.2.
Variant type: single nucleotide variant.
Coding change: c.1196T>A on transcript NM_000257.4 (MANE Select); coding-DNA position 1196, T replaced by A.
Protein change: p.Leu399Gln; replaces leucine 399 with glutamine.
Molecular consequence: missense variant.
Genome position (GRCh38, 1-based): chr14:23,429,290, A>T on the plus strand (T>A on the coding strand, the complement: MYH7 is on the minus strand). VCF-style: chr14-23429290-A-T. GRCh37 (hg19) VCF-style: chr14-23898499-A-T.
Other names: c.1196T>A, p.Leu399Gln (NM_001407004.1); short protein forms L399Q.
Identifiers: ClinVar variation 3895376 (VCV003895376.1).